The following is an entry in ClinVar:

ClinVar aggregate classification (germline): Pathogenic/Likely pathogenic. Review status: criteria provided, multiple submitters, no conflicts (2 of 4 stars). 2 submissions from 2 submitters: Pathogenic (1); Likely pathogenic (1). Last evaluated 2024-04-29.

Conditions:
Renal carnitine transport defect (CDSP). Also called: Primary carnitine deficiency; Systemic primary carnitine deficiency; CARNITINE DEFICIENCY, SYSTEMIC, DUE TO DEFECT IN RENAL REABSORPTION OF CARNITINE; CARNITINE TRANSPORTER, PLASMA-MEMBRANE, DEFICIENCY OF; CARNITINE UPTAKE DEFECT; Carnitine transporter deficiency. Identifiers: Orphanet 158, MedGen C0342788, MONDO:0008919, OMIM 212140.

Submissions (2):

Fulgent Genetics
Classification: Likely pathogenic for Renal carnitine transport defect. Last evaluated: 2024-04-29. Review status: criteria provided, single submitter. Criteria: ACMG Guidelines, 2015. Collection method: clinical testing. Allele origin: germline.

Myriad Genetics, Inc.
Classification: Pathogenic for Renal carnitine transport defect. Last evaluated: 2023-12-16. Review status: criteria provided, single submitter. Criteria: Myriad Autosomal Dominant, Autosomal Recessive and X-Linked Classification Criteria (2023). Collection method: clinical testing. Allele origin: unknown.
Comment: NM_003060.3(SLC22A5):c.802dupG(V268Gfs*12) is expected to be pathogenic in the context of primary carnitine deficiency. This variant is predicted to lead to an abnormal or absent protein product due to the creation of a premature termination codon in SLC22A5, a gene where loss-of-function variants are known to be pathogenic. Please note: this variant was assessed in the context of healthy population screening.

NM_003060.4(SLC22A5):c.802dup (p.Val268fs)

Gene: SLC22A5 (solute carrier family 22 member 5; plus strand). Cytogenetic location: 5q31.1.
Variant type: Duplication.
Coding change: c.802dup on transcript NM_003060.4 (MANE Select); coding-DNA position 802, one base duplicated (G; older notation c.802dupG).
Protein change: p.Val268fs; shifts the reading frame from valine 268.
Molecular consequence: frameshift variant.
Genome position (GRCh38, 1-based): chr5:132,385,477, G duplicated; the last of 5 consecutive G bases (chr5:132,385,473-132,385,477); duplicating any one gives the same sequence. VCF-style (leftmost placement, unchanged base first): chr5-132385472-C-CG. GRCh37 (hg19) VCF-style: chr5-131721164-C-CG.
Other names: c.874dup, p.Val292fs (NM_001308122.2); short protein forms V292fs, V268fs.
Identifiers: ClinVar variation 3591692 (VCV003591692.2).